The following is an entry in ClinVar:

NC_000023.11:g.(?_40581046)_(40605775_?)dup

Gene: ATP6AP2 (ATPase H+ transporting accessory protein 2; plus strand). Cytogenetic location: Xp11.4.
Variant type: Duplication.
Identifiers: ClinVar variation 832810 (VCV000832810.1).

ClinVar aggregate classification (germline): Uncertain significance (1 of 4 stars; one submission).

Conditions:
Intellectual developmental disorder, X-linked, syndromic, Hedera type. Also called: Syndromic X-linked intellectual disability Hedera type. Identifiers: Orphanet 93952, MedGen C1845543, MONDO:0010319, OMIM 300423.

Submission:

Labcorp Genetics (formerly Invitae), Labcorp
Classification: Uncertain significance for Mental retardation, X-linked, syndromic, Hedera type. Last evaluated: 2019-11-26. Review status: criteria provided, single submitter. Criteria: Invitae Variant Classification Sherloc (09022015). Collection method: clinical testing. Allele origin: germline.
Comment: A gross duplication of the genomic region encompassing the full coding sequence of the ATP6AP2 gene has been identified. The boundaries of this event are unknown as the duplication extends beyond the assayed region for this gene and therefore may encompass additional genes. As the precise location of this duplication is unknown, it may be in tandem or it may be located elsewhere in the genome. This variant has not been reported in the literature in individuals with a ATP6AP2-related disease. In summary, the available evidence is currently insufficient to determine the role of this variant in disease. Therefore, it has been classified as a Variant of Uncertain Significance.